The following is an entry in ClinVar:

NM_005138.3(SCO2):c.59G>A (p.Arg20Gln)

Genes: SCO2 (synthesis of cytochrome C oxidase 2; minus strand), NCAPH2 (non-SMC condensin II complex subunit H2; plus strand). Cytogenetic location: 22q13.33.
Variant type: single nucleotide variant.
Coding change: c.59G>A on transcript NM_005138.3 (MANE Select); coding-DNA position 59, G replaced by A.
Protein change: p.Arg20Gln; replaces arginine 20 with glutamine.
Molecular consequence: missense variant. On other transcripts: 3 prime UTR variant (2).
Genome position (GRCh38, 1-based): chr22:50,524,353, C>T on the plus strand (G>A on the coding strand, the complement: SCO2 is on the minus strand). VCF-style: chr22-50524353-C-T. GRCh37 (hg19) VCF-style: chr22-50962782-C-T.
Other names: c.*978C>T (NM_001185011.2, NM_152299.4); c.59G>A, p.Arg20Gln (NM_001169109.2, NM_001169110.1, NM_001169111.2); short protein forms R20Q.
Identifiers: ClinVar variation 1922517 (VCV001922517.2), dbSNP rs140523, ClinGen allele CA10321307.

ClinVar aggregate classification (germline): Uncertain significance (1 of 4 stars; one submission).

gnomAD v4.1: 38 of 1,601,588 alleles (0.0024%); highest among the groups gnomAD compares: African/African-American, 0.015%; no homozygotes.

Submission:

Labcorp Genetics (formerly Invitae), Labcorp
Classification: Uncertain significance. Last evaluated: 2022-10-13. Review status: criteria provided, single submitter. Criteria: Invitae Variant Classification Sherloc (09022015). Collection method: clinical testing. Allele origin: germline.
Comment: This sequence change replaces arginine, which is basic and polar, with glutamine, which is neutral and polar, at codon 20 of the SCO2 protein (p.Arg20Gln). This variant is present in population databases (rs140523, gnomAD 0.02%). This variant has not been reported in the literature in individuals affected with SCO2-related conditions. Algorithms developed to predict the effect of missense changes on protein structure and function output the following: SIFT: "Tolerated"; PolyPhen-2: "Benign"; Align-GVGD: "Class C0". The glutamine amino acid residue is found in multiple mammalian species, which suggests that this missense change does not adversely affect protein function. In summary, the available evidence is currently insufficient to determine the role of this variant in disease. Therefore, it has been classified as a Variant of Uncertain Significance.